The following is an entry in ClinVar:

NM_006265.3(RAD21):c.1298A>G (p.Gln433Arg)

Gene: RAD21 (RAD21 cohesin complex component; minus strand). Cytogenetic location: 8q24.11.
Variant type: single nucleotide variant.
Coding change: c.1298A>G on transcript NM_006265.3 (MANE Select); coding-DNA position 1298, A replaced by G.
Protein change: p.Gln433Arg; replaces glutamine 433 with arginine.
Molecular consequence: missense variant.
Genome position (GRCh38, 1-based): chr8:116,852,572, T>C on the plus strand (A>G on the coding strand, the complement: RAD21 is on the minus strand). VCF-style: chr8-116852572-T-C. GRCh37 (hg19) VCF-style: chr8-117864811-T-C.
Other names: short protein forms Q433R.
Identifiers: ClinVar variation 1721140 (VCV001721140.6), dbSNP rs752923760, ClinGen allele CA4852863.
Genomic context (GRCh38, chr8:116,852,572, plus strand): 5'-GTGAACTTCATCAAGGAACTATTCCAACAGAACAAACCGATAACATCACGCTGCTGATGC[T>C]GCTGTTGCTGGTCCTCTCTAGGAACCTCTGGATTTTCAAATTCTTTGAGGAATTCATCCA-3'
Protein context (NP_006256.1, residues 423-443): PEVPREDQQQ[Gln433Arg]HQQRDVIDEP

ClinVar aggregate classification (germline): Uncertain significance (1 of 4 stars; one submission).

Conditions:
Cornelia de Lange syndrome 4 (CDLS4). Also called: RAD21-Related Cornelia de Lange Syndrome; CORNELIA DE LANGE SYNDROME 4 WITH OR WITHOUT MIDLINE BRAIN DEFECTS. Identifiers: Orphanet 199, MedGen C3553517, MONDO:0013864, OMIM 614701.

Allele frequency attached by ClinVar (database versions not stated): gnomAD exomes below 0.00001; ExAC 0.00001.
gnomAD v4.1: 2 of 1,612,916 alleles (0.00012%); highest among the groups gnomAD compares: South Asian, 0.0011%; no homozygotes.

Submission:

Labcorp Genetics (formerly Invitae), Labcorp
Classification: Uncertain significance for Cornelia de Lange syndrome 4. Last evaluated: 2024-04-17. Review status: criteria provided, single submitter. Criteria: Invitae Variant Classification Sherloc (09022015). Collection method: clinical testing. Allele origin: germline.
Comment: This sequence change replaces glutamine, which is neutral and polar, with arginine, which is basic and polar, at codon 433 of the RAD21 protein (p.Gln433Arg). This variant is present in population databases (rs752923760, gnomAD 0.003%). This variant has not been reported in the literature in individuals affected with RAD21-related conditions. ClinVar contains an entry for this variant (Variation ID: 1721140). Advanced modeling of protein sequence and biophysical properties (such as structural, functional, and spatial information, amino acid conservation, physicochemical variation, residue mobility, and thermodynamic stability) performed at Invitae indicates that this missense variant is not expected to disrupt RAD21 protein function with a negative predictive value of 80%. In summary, the available evidence is currently insufficient to determine the role of this variant in disease. Therefore, it has been classified as a Variant of Uncertain Significance.